The following is an entry in ClinVar:

ClinVar aggregate classification (germline): Uncertain significance (1 of 4 stars; one submission).

Conditions:
Hereditary cancer-predisposing syndrome. Also called: Hereditary neoplastic syndrome; Neoplastic Syndromes, Hereditary; Tumor predisposition; Hereditary Cancer Syndrome. Identifiers: Orphanet 140162, MedGen C0027672, MeSH D009386, MONDO:0015356.

Submission:

Ambry Genetics
Classification: Uncertain significance for Hereditary cancer-predisposing syndrome. Last evaluated: 2025-08-27. Review status: criteria provided, single submitter. Criteria: Ambry Variant Classification Scheme 2023. Collection method: clinical testing. Allele origin: germline.
Comment: The p.M201L variant (also known as c.601A>T), located in coding exon 8 of the MUTYH gene, results from an A to T substitution at nucleotide position 601. The methionine at codon 201 is replaced by leucine, an amino acid with highly similar properties. This amino acid position is conserved. In addition, this alteration is predicted to be tolerated by in silico analysis. Based on the available evidence, the clinical significance of this variant remains unclear.

NM_001048174.2(MUTYH):c.517A>T (p.Met173Leu)

Gene: MUTYH (mutY DNA glycosylase; minus strand). Cytogenetic location: 1p34.1.
Variant type: single nucleotide variant.
Coding change: c.517A>T on transcript NM_001048174.2 (MANE Select); coding-DNA position 517, A replaced by T.
Protein change: p.Met173Leu; replaces methionine 173 with leucine.
Molecular consequence: missense variant. On other transcripts: non-coding transcript variant (7).
Genome position (GRCh38, 1-based): chr1:45,332,663, T>A on the plus strand (A>T on the coding strand, the complement: MUTYH is on the minus strand). VCF-style: chr1-45332663-T-A. GRCh37 (hg19) VCF-style: chr1-45798335-T-A.
Other names: c.550A>T, p.Met184Leu (NM_001293191.2, NM_001407069.1, NM_001407077.1); c.241A>T, p.Met81Leu (NM_001293192.2, NM_001293196.2, NM_001407091.1); c.517A>T, p.Met173Leu (NM_001293195.2, NM_001407070.1, NM_001407088.1 and 6 more transcripts); c.172A>T, p.Met58Leu (NM_001350650.2, NM_001350651.2, NM_001407082.1); c.520A>T, p.Met174Leu (NM_001407071.1, NM_001407086.1, NM_001048172.2 and 1 more transcripts); c.559A>T, p.Met187Leu (NM_001407085.1, NM_001407083.1); c.538A>T, p.Met180Leu (NM_001407087.1); c.592A>T, p.Met198Leu (NM_012222.3); and 5 more; short protein forms M145L, M81L, M159L, M174L, M184L, M188L, M173L, M201L.
Identifiers: ClinVar variation 4113756 (VCV004113756.1).